The following is an entry in ClinVar:

ClinVar aggregate classification (germline): Uncertain significance. Review status: criteria provided, multiple submitters, no conflicts (2 of 4 stars). 2 submissions from 2 submitters: Uncertain significance (2). Last evaluated 2023-08-04.

Allele frequency attached by ClinVar (database versions not stated): ExAC 0.00001; gnomAD 0.00001; TOPMed 0.00002.
gnomAD v4.1: 2 of 1,613,790 alleles (0.00012%); highest among the groups gnomAD compares: Admixed American, 0.0017%; no homozygotes.

Submissions (2):

Labcorp Genetics (formerly Invitae), Labcorp
Classification: Uncertain significance. Last evaluated: 2023-08-04. Review status: criteria provided, single submitter. Criteria: Invitae Variant Classification Sherloc (09022015). Collection method: clinical testing. Allele origin: germline.
Comment: In summary, the available evidence is currently insufficient to determine the role of this variant in disease. Therefore, it has been classified as a Variant of Uncertain Significance. An algorithm developed to predict the effect of missense changes on protein structure and function (PolyPhen-2) suggests that this variant is likely to be disruptive. ClinVar contains an entry for this variant (Variation ID: 1983547). This variant has not been reported in the literature in individuals affected with RIMS1-related conditions. This variant is present in population databases (rs748212094, gnomAD 0.006%). This sequence change replaces arginine, which is basic and polar, with glutamine, which is neutral and polar, at codon 317 of the RIMS1 protein (p.Arg317Gln).

Ambry Genetics
Classification: Uncertain significance. Last evaluated: 2021-10-12. Review status: criteria provided, single submitter. Criteria: Ambry Variant Classification Scheme 2023. Collection method: clinical testing. Allele origin: germline.

NM_014989.7(RIMS1):c.950G>A (p.Arg317Gln)

Gene: RIMS1 (regulating synaptic membrane exocytosis 1; plus strand). Cytogenetic location: 6q13.
Variant type: single nucleotide variant.
Coding change: c.950G>A on transcript NM_014989.7 (MANE Select); coding-DNA position 950, G replaced by A.
Protein change: p.Arg317Gln; replaces arginine 317 with glutamine.
Molecular consequence: missense variant.
Genome position (GRCh38, 1-based): chr6:72,182,421, G>A. VCF-style: chr6-72182421-G-A. GRCh37 (hg19) VCF-style: chr6-72892124-G-A.
Other names: short protein forms R317Q.
Identifiers: ClinVar variation 1983547 (VCV001983547.5), dbSNP rs748212094, ClinGen allele CA3885628.